The following is an entry in ClinVar:

ClinVar aggregate classification (germline): Uncertain significance. Review status: criteria provided, multiple submitters, no conflicts (2 of 4 stars). 2 submissions from 2 submitters: Uncertain significance (2). Last evaluated 2025-11-18.

Conditions:
Hereditary cancer-predisposing syndrome. Also called: Tumor predisposition; Hereditary neoplastic syndrome; Neoplastic Syndromes, Hereditary; Hereditary Cancer Syndrome. Identifiers: Orphanet 140162, MedGen C0027672, MeSH D009386, MONDO:0015356.

Allele frequency attached by ClinVar (database versions not stated): gnomAD exomes below 0.00001.
gnomAD v4.1: 3 of 1,613,956 alleles (0.00019%); highest among the groups gnomAD compares: South Asian, 0.0011%; no homozygotes.

Submissions (2):

Labcorp Genetics (formerly Invitae), Labcorp
Classification: Uncertain significance. Last evaluated: 2025-11-18. Review status: criteria provided, single submitter. Criteria: Invitae Variant Classification Sherloc (09022015). Collection method: clinical testing. Allele origin: germline.
Comment: This sequence change replaces glycine, which is neutral and non-polar, with arginine, which is basic and polar, at codon 364 of the POLE protein (p.Gly364Arg). This variant is not present in population databases (gnomAD no frequency). This variant has not been reported in the literature in individuals affected with POLE-related conditions. ClinVar contains an entry for this variant (Variation ID: 857417). Invitae Evidence Modeling of protein sequence and biophysical properties (such as structural, functional, and spatial information, amino acid conservation, physicochemical variation, residue mobility, and thermodynamic stability) indicates that this missense variant is expected to disrupt POLE protein function with a positive predictive value of 80%. In summary, the available evidence is currently insufficient to determine the role of this variant in disease. Therefore, it has been classified as a Variant of Uncertain Significance.

Ambry Genetics
Classification: Uncertain significance for Hereditary cancer-predisposing syndrome. Last evaluated: 2023-08-15. Review status: criteria provided, single submitter. Criteria: Ambry Variant Classification Scheme 2023. Collection method: clinical testing. Allele origin: germline.
Comment: The p.G364R variant (also known as c.1090G>A), located in coding exon 11 of the POLE gene, results from a G to A substitution at nucleotide position 1090. The glycine at codon 364 is replaced by arginine, an amino acid with dissimilar properties. This amino acid position is highly conserved in available vertebrate species. In addition, this alteration is predicted to be deleterious by in silico analysis. Since supporting evidence is limited at this time, the clinical significance of this alteration remains unclear.

NM_006231.4(POLE):c.1090G>A (p.Gly364Arg)

Gene: POLE (DNA polymerase epsilon, catalytic subunit; minus strand). Cytogenetic location: 12q24.33.
Variant type: single nucleotide variant.
Coding change: c.1090G>A on transcript NM_006231.4 (MANE Select); coding-DNA position 1090, G replaced by A.
Protein change: p.Gly364Arg; replaces glycine 364 with arginine.
Molecular consequence: missense variant.
Genome position (GRCh38, 1-based): chr12:132,675,751, C>T on the plus strand (G>A on the coding strand, the complement: POLE is on the minus strand). VCF-style: chr12-132675751-C-T. GRCh37 (hg19) VCF-style: chr12-133252337-C-T.
Other names: short protein forms G364R.
Identifiers: ClinVar variation 857417 (VCV000857417.10), dbSNP rs2043034419, ClinGen allele CA387361394.